The following is an entry in ClinVar:

NM_005343.4(HRAS):c.303A>G (p.Lys101=)

Genes: HRAS (HRas proto-oncogene, GTPase; minus strand), LRRC56 (leucine rich repeat containing 56; plus strand). Cytogenetic location: 11p15.5.
Variant type: single nucleotide variant.
Coding change: c.303A>G on transcript NM_005343.4 (MANE Select); coding-DNA position 303, A replaced by G.
Protein change: p.Lys101=; no amino-acid change (lysine 101 retained).
Molecular consequence: synonymous variant. On other transcripts: 5 prime UTR variant (1), intron variant (2).
Genome position (GRCh38, 1-based): chr11:533,600, T>C on the plus strand (A>G on the coding strand, the complement: HRAS is on the minus strand). VCF-style: chr11-533600-T-C. GRCh37 (hg19) VCF-style: chr11-533600-T-C.
Other names: c.303A>G, p.Lys101= (NM_001130442.3, NM_176795.5); c.-17A>G (NM_001318054.2); c.-162+5263T>C (NM_001441284.1, NM_001441286.1).
Identifiers: ClinVar variation 4084191 (VCV004084191.8).

ClinVar aggregate classification (germline): Likely benign (1 of 4 stars; one submission).

gnomAD v4.1: 3 of 1,613,804 alleles (0.00019%); highest among the groups gnomAD compares: Admixed American, 0.005%; no homozygotes.

Submission:

CeGaT Center for Human Genetics Tuebingen
Classification: Likely benign. Last evaluated: 2025-08-01. Review status: criteria provided, single submitter. Criteria: CeGaT Center For Human Genetics Tuebingen Variant Classification Criteria Version 2. Collection method: clinical testing. Allele origin: germline. Affected: yes. Observed: 1 variant allele.
Comment: HRAS: BP4, BP7